The following is an entry in ClinVar:

NM_022725.4(FANCF):c.821A>C (p.Tyr274Ser)

Gene: FANCF (FA complementation group F; minus strand). Cytogenetic location: 11p14.3.
Variant type: single nucleotide variant.
Coding change: c.821A>C on transcript NM_022725.4 (MANE Select); coding-DNA position 821, A replaced by C.
Protein change: p.Tyr274Ser; replaces tyrosine 274 with serine.
Molecular consequence: missense variant.
Genome position (GRCh38, 1-based): chr11:22,624,990, T>G on the plus strand (A>C on the coding strand, the complement: FANCF is on the minus strand). VCF-style: chr11-22624990-T-G. GRCh37 (hg19) VCF-style: chr11-22646536-T-G.
Other names: short protein forms Y274S.
Identifiers: ClinVar variation 1001967 (VCV001001967.9), dbSNP rs144524228, ClinGen allele CA5924254.

ClinVar aggregate classification (germline): Uncertain significance. Review status: criteria provided, multiple submitters, no conflicts (2 of 4 stars). 2 submissions from 2 submitters: Uncertain significance (2). Last evaluated 2025-08-18.

Conditions:
Fanconi anemia complementation group F. Also called: FANCF-Related Fanconi Anemia. Identifiers: Orphanet 84, MedGen C3469526, MONDO:0011325, OMIM 603467.
Fanconi anemia (FA). Also called: Fanconi's anemia. Identifiers: Orphanet 84, MedGen C0015625, MeSH D005199, MONDO:0019391.

Allele frequency attached by ClinVar (database versions not stated): TOPMed 0.00003; ESP Exome Variant Server 0.00015.
gnomAD v4.1: 12 of 1,614,040 alleles (0.00074%); highest among the groups gnomAD compares: African/African-American, 0.013%; no homozygotes.

Submissions (2):

Labcorp Genetics (formerly Invitae), Labcorp
Classification: Uncertain significance for Fanconi anemia. Last evaluated: 2025-08-18. Review status: criteria provided, single submitter. Criteria: Invitae Variant Classification Sherloc (09022015). Collection method: clinical testing. Allele origin: germline.
Comment: This sequence change replaces tyrosine, which is neutral and polar, with serine, which is neutral and polar, at codon 274 of the FANCF protein (p.Tyr274Ser). This variant is present in population databases (rs144524228, gnomAD 0.02%). This variant has not been reported in the literature in individuals affected with FANCF-related conditions. ClinVar contains an entry for this variant (Variation ID: 1001967). Invitae Evidence Modeling of protein sequence and biophysical properties (such as structural, functional, and spatial information, amino acid conservation, physicochemical variation, residue mobility, and thermodynamic stability) indicates that this missense variant is expected to disrupt FANCF protein function with a positive predictive value of 80%. In summary, the available evidence is currently insufficient to determine the role of this variant in disease. Therefore, it has been classified as a Variant of Uncertain Significance.

Fulgent Genetics
Classification: Uncertain significance for Fanconi anemia complementation group F. Last evaluated: 2024-06-18. Review status: criteria provided, single submitter. Criteria: ACMG Guidelines, 2015. Collection method: clinical testing. Allele origin: germline.